The following is an entry in ClinVar:

ClinVar aggregate classification (germline): Likely benign (1 of 4 stars; one submission).

Submission:

GeneDx
Classification: Likely benign. Last evaluated: 2018-02-08. Review status: criteria provided, single submitter. Criteria: GeneDx Variant Classification (06012015). Collection method: clinical testing. Allele origin: germline. Affected: yes.
Comment: This variant is considered likely benign or benign based on one or more of the following criteria: it is a conservative change, it occurs at a poorly conserved position in the protein, it is predicted to be benign by multiple in silico algorithms, and/or has population frequency not consistent with disease.

NM_012414.4(RAB3GAP2):c.713-20T>C

Gene: RAB3GAP2 (RAB3 GTPase activating non-catalytic protein subunit 2; minus strand). Cytogenetic location: 1q41.
Variant type: single nucleotide variant.
Coding change: c.713-20T>C on transcript NM_012414.4 (MANE Select); 20 bases into the intron before coding-DNA position 713, T replaced by C.
Molecular consequence: intron variant.
Genome position (GRCh38, 1-based): chr1:220,202,394, A>G on the plus strand (T>C on the coding strand, the complement: RAB3GAP2 is on the minus strand). VCF-style: chr1-220202394-A-G. GRCh37 (hg19) VCF-style: chr1-220375736-A-G.
Identifiers: ClinVar variation 515368 (VCV000515368.1), dbSNP rs1553277672, ClinGen allele CA658795603.